The following is an entry in ClinVar:

NM_000536.4(RAG2):c.1142_1143del (p.Asp380_Ser381insTer)

Gene: RAG2 (recombination activating 2; minus strand). Cytogenetic location: 11p12.
Variant type: Microsatellite.
Coding change: c.1142_1143del on transcript NM_000536.4 (MANE Select); coding-DNA positions 1142 to 1143, 2 bases deleted (CT; older notation c.1142_1143delCT).
Protein change: p.Asp380_Ser381insTer.
Molecular consequence: nonsense.
Genome position (GRCh38, 1-based): chr11:36,593,026-36,593,027, AG deleted on the plus strand (CT on the coding strand, the reverse complement: RAG2 is on the minus strand); deleting any 2 consecutive bases within chr11:36,593,026-36,593,029 gives the same sequence; the c. name uses the placement nearest the transcript's 3' end. VCF-style (leftmost placement, unchanged base first): chr11-36593025-CAG-C. GRCh37 (hg19) VCF-style: chr11-36614575-CAG-C.
Other names: c.1142_1143del, p.Asp380_Ser381insTer (NM_001243785.2, NM_001243786.2); c.1142_1143delCT (NM_000536.3).
Identifiers: ClinVar variation 2678213 (VCV002678213.3), dbSNP rs750849852, ClinGen allele CA5950465.
Genomic context (GRCh38, chr11:36,593,025, plus strand): 5'-AGGTGTCAAATTCATCATCACCATCAAAACTATTTGCTTCTGCACTGAAACAAAATTCTT[CAG>C]AGTCTTCAAAGGGAGTGGAATCCCCTGGATCTTCTGTTGATGTTTGACTGTTTGTGAATG-3'

ClinVar aggregate classification (germline): Pathogenic/Likely pathogenic. Review status: criteria provided, multiple submitters, no conflicts (2 of 4 stars). 3 submissions from 3 submitters: Pathogenic (2); Likely pathogenic (1). Last evaluated 2025-02-14.

Conditions:
Severe combined immunodeficiency, autosomal recessive, T cell-negative, B cell-negative, NK cell-positive. Also called: SCID, T CELL-NEGATIVE, B CELL-NEGATIVE, NK CELL-POSITIVE; SCID, AR, T-cell negative, B-cell negative, NK cell-positive; Severe combined immunodeficiency due to complete RAG1/2 deficiency. Identifiers: Orphanet 331206, MedGen C1832322, MONDO:0011086, OMIM 601457.
Combined immunodeficiency with skin granulomas. Identifiers: Orphanet 157949, MedGen C2673536, MONDO:0009306, OMIM 233650.
Histiocytic medullary reticulosis. Also called: SEVERE COMBINED IMMUNODEFICIENCY WITH HYPEREOSINOPHILIA; Omenn syndrome. Identifiers: Orphanet 39041, MedGen C2700553, MONDO:0011338, OMIM 603554.

Submissions (3):

Natera, Inc.
Classification: Likely pathogenic for Omenn syndrome. Last evaluated: 2025-02-14. Review status: criteria provided, single submitter. Criteria: Natera Variant Classification Schema (03/2026). Collection method: clinical testing. Allele origin: germline.
Comment: The c.1142_1143delCT variant in RAG2 is a frameshift variant predicted to shift the reading frame and introduce a stop codon. This variant is expected to result in nonsense mediated decay, truncation, or a dysfunctional protein product. This variant is rare in the general population with a frequency below the threshold expected for the associated phenotype(s). This variant has been observed in one or more individuals affected with the associated recessive disease, as either homozygous or compound heterozygous with a second variant (PMID: 26186701). Given the available evidence, this variant is classified as Likely Pathogenic.

Fulgent Genetics
Classification: Pathogenic for Combined immunodeficiency with skin granulomas; Severe combined immunodeficiency, autosomal recessive, T cell-negative, B cell-negative, NK cell-positive; Histiocytic medullary reticulosis. Last evaluated: 2024-04-27. Review status: criteria provided, single submitter. Criteria: ACMG Guidelines, 2015. Collection method: clinical testing. Allele origin: germline.

Baylor Genetics
Classification: Pathogenic for Combined immunodeficiency with skin granulomas. Last evaluated: 2023-07-25. Review status: criteria provided, single submitter. Criteria: ACMG Guidelines, 2015. Collection method: clinical testing. Allele origin: unknown.

Literature cited by the submitters: PubMed 26186701 (cited by Natera, Inc.).